The following is an entry in ClinVar:

NM_003664.5(AP3B1):c.753T>G (p.Tyr251Ter)

Gene: AP3B1 (adaptor related protein complex 3 subunit beta 1; minus strand). Cytogenetic location: 5q14.1.
Variant type: single nucleotide variant.
Coding change: c.753T>G on transcript NM_003664.5 (MANE Select); coding-DNA position 753, T replaced by G.
Protein change: p.Tyr251Ter; replaces tyrosine 251 with a stop codon.
Molecular consequence: nonsense.
Genome position (GRCh38, 1-based): chr5:78,216,088, A>C on the plus strand (T>G on the coding strand, the complement: AP3B1 is on the minus strand). VCF-style: chr5-78216088-A-C. GRCh37 (hg19) VCF-style: chr5-77511912-A-C.
Other names: c.606T>G, p.Tyr202Ter (NM_001271769.2); c.753T>G, p.Tyr251Ter (NM_001410752.1); short protein forms Y251*, Y202*.
Identifiers: ClinVar variation 2705668 (VCV002705668.3), dbSNP rs1195260459, ClinGen allele CA360190775.
Genomic context (GRCh38, chr5:78,216,088, plus strand): 5'-GAAAGTGGAAGACTGTTCAACACTTACCTCTTTCCAAGGGCTGACAAACTGTGTCCGAGC[A>C]TATCGAGTTAGCATGTGGATTATGACAACCTGCCCCCACTCTTCAACATCCACTAGTAAG-3'

ClinVar aggregate classification (germline): Pathogenic (1 of 4 stars; one submission).

Conditions:
Hermansky-Pudlak syndrome 2 (HPS2). Also called: Platelet defects and oculocutaneous albinism. Identifiers: Orphanet 183678, Orphanet 79430, MedGen C1842362, MONDO:0011997, OMIM 608233.

Submission:

Labcorp Genetics (formerly Invitae), Labcorp
Classification: Pathogenic for Hermansky-Pudlak syndrome 2. Last evaluated: 2023-12-26. Review status: criteria provided, single submitter. Criteria: Invitae Variant Classification Sherloc (09022015). Collection method: clinical testing. Allele origin: germline.
Comment: This sequence change creates a premature translational stop signal (p.Tyr251*) in the AP3B1 gene. It is expected to result in an absent or disrupted protein product. Loss-of-function variants in AP3B1 are known to be pathogenic (PMID: 16507770, 23403622). This variant is not present in population databases (gnomAD no frequency). This variant has not been reported in the literature in individuals affected with AP3B1-related conditions. For these reasons, this variant has been classified as Pathogenic.

Literature cited by the submitters: PubMed 16507770; PubMed 23403622.